The following is an entry in ClinVar:

NM_198904.4(GABRG2):c.429dup (p.Lys144fs)

Gene: GABRG2 (gamma-aminobutyric acid type A receptor subunit gamma2; plus strand). Cytogenetic location: 5q34.
Variant type: Duplication.
Coding change: c.429dup on transcript NM_198904.4 (MANE Select); coding-DNA position 429, one base duplicated (G; older notation c.429dupG).
Protein change: p.Lys144fs; shifts the reading frame from lysine 144.
Molecular consequence: frameshift variant.
Genome position (GRCh38, 1-based): chr5:162,097,739, G duplicated; the last of 4 consecutive G bases (chr5:162,097,736-162,097,739); duplicating any one gives the same sequence. VCF-style (leftmost placement, unchanged base first): chr5-162097735-T-TG. GRCh37 (hg19) VCF-style: chr5-161524741-T-TG.
Other names: c.429dup, p.Lys144fs (NM_000816.3, NM_001375340.1, NM_001375341.1 and 4 more transcripts); c.420dup, p.Lys141fs (NM_001375339.1); c.363dup, p.Lys122fs (NM_001375345.1, NM_001375346.1); c.342dup, p.Lys115fs (NM_001375347.1); c.9dup, p.Lys4fs (NM_001375348.1, NM_001375350.1); c.144dup, p.Lys49fs (NM_001375349.1); short protein forms K115fs, K122fs, K141fs, K144fs, K49fs, K4fs.
Identifiers: ClinVar variation 1071103 (VCV001071103.7), dbSNP rs2113326012, ClinGen allele CA2499217760.

ClinVar aggregate classification (germline): Pathogenic (1 of 4 stars; one submission).

Conditions:
EPILEPSY, CHILDHOOD ABSENCE, SUSCEPTIBILITY TO, 2 (ECA2). Identifiers: Orphanet 64280, MedGen C1843244, OMIM 607681.
Febrile seizures, familial, 8 (FEB8). Also called: CONVULSIONS, FAMILIAL FEBRILE, 8. Identifiers: Orphanet 36387, MedGen C1969810, MONDO:0011891, OMIM 607681.

Submission:

Labcorp Genetics (formerly Invitae), Labcorp
Classification: Pathogenic for Febrile seizures, familial, 8; EPILEPSY, CHILDHOOD ABSENCE, SUSCEPTIBILITY TO, 2. Last evaluated: 2022-02-03. Review status: criteria provided, single submitter. Criteria: Invitae Variant Classification Sherloc (09022015). Collection method: clinical testing. Allele origin: germline.
Comment: For these reasons, this variant has been classified as Pathogenic. ClinVar contains an entry for this variant (Variation ID: 1071103). This variant has not been reported in the literature in individuals affected with GABRG2-related conditions. This variant is not present in population databases (gnomAD no frequency). This sequence change creates a premature translational stop signal (p.Lys144Glufs*16) in the GABRG2 gene. It is expected to result in an absent or disrupted protein product. Loss-of-function variants in GABRG2 are known to be pathogenic (PMID: 22539854, 22750526, 24407264).

Literature cited by the submitters: PubMed 22539854; PubMed 22750526; PubMed 24407264.